The following is an entry in ClinVar:

NM_177438.3(DICER1):c.3840C>A (p.Ser1280Arg)

Gene: DICER1 (dicer 1, ribonuclease III; minus strand). Cytogenetic location: 14q32.13.
Variant type: single nucleotide variant.
Coding change: c.3840C>A on transcript NM_177438.3 (MANE Select); coding-DNA position 3840, C replaced by A.
Protein change: p.Ser1280Arg; replaces serine 1280 with arginine.
Molecular consequence: missense variant.
Genome position (GRCh38, 1-based): chr14:95,103,556, G>T on the plus strand (C>A on the coding strand, the complement: DICER1 is on the minus strand). VCF-style: chr14-95103556-G-T. GRCh37 (hg19) VCF-style: chr14-95569893-G-T.
Other names: c.3840C>A, p.Ser1280Arg (NM_001195573.1, NM_001271282.3, NM_001291628.2 and 1 more transcripts); short protein forms S1280R.
Identifiers: ClinVar variation 1019787 (VCV001019787.13), dbSNP rs1891093571, ClinGen allele CA390873333.

ClinVar aggregate classification (germline): Uncertain significance. Review status: criteria provided, multiple submitters, no conflicts (2 of 4 stars). 2 submissions from 2 submitters: Uncertain significance (2). Last evaluated 2022-06-20.

Conditions:
Hereditary cancer-predisposing syndrome. Also called: Hereditary neoplastic syndrome; Neoplastic Syndromes, Hereditary; Tumor predisposition; Hereditary Cancer Syndrome. Identifiers: Orphanet 140162, MedGen C0027672, MeSH D009386, MONDO:0015356.
DICER1-related tumor predisposition. Also called: DICER1 syndrome; DICER1-related pleuropulmonary blastoma cancer predisposition syndrome. Identifiers: Orphanet 284343, MedGen C3839822, MONDO:0100216.

Submissions (2):

Labcorp Genetics (formerly Invitae), Labcorp
Classification: Uncertain significance for DICER1-related tumor predisposition. Last evaluated: 2022-06-20. Review status: criteria provided, single submitter. Criteria: Invitae Variant Classification Sherloc (09022015). Collection method: clinical testing. Allele origin: germline.
Comment: In summary, the available evidence is currently insufficient to determine the role of this variant in disease. Therefore, it has been classified as a Variant of Uncertain Significance. Algorithms developed to predict the effect of missense changes on protein structure and function (SIFT, PolyPhen-2, Align-GVGD) all suggest that this variant is likely to be tolerated. ClinVar contains an entry for this variant (Variation ID: 1019787). This variant has not been reported in the literature in individuals affected with DICER1-related conditions. This variant is not present in population databases (gnomAD no frequency). This sequence change replaces serine, which is neutral and polar, with arginine, which is basic and polar, at codon 1280 of the DICER1 protein (p.Ser1280Arg).

Ambry Genetics
Classification: Uncertain significance for Hereditary cancer-predisposing syndrome. Last evaluated: 2020-06-24. Review status: criteria provided, single submitter. Criteria: Ambry Variant Classification Scheme 2023. Collection method: clinical testing. Allele origin: germline.
Comment: The p.S1280R variant (also known as c.3840C>A), located in coding exon 20 of the DICER1 gene, results from a C to A substitution at nucleotide position 3840. The serine at codon 1280 is replaced by arginine, an amino acid with dissimilar properties. This amino acid position is not well conserved in available vertebrate species. In addition, this alteration is predicted to be tolerated by in silico analysis. Since supporting evidence is limited at this time, the clinical significance of this alteration remains unclear.